The following is an entry in ClinVar:

ClinVar aggregate classification (germline): Uncertain significance. Review status: criteria provided, multiple submitters, no conflicts (2 of 4 stars). 2 submissions from 2 submitters: Uncertain significance (2). Last evaluated 2025-11-10.

Conditions:
DICER1-related tumor predisposition. Also called: DICER1-related pleuropulmonary blastoma cancer predisposition syndrome; DICER1 syndrome. Identifiers: Orphanet 284343, MedGen C3839822, MONDO:0100216.
Hereditary cancer-predisposing syndrome. Also called: Tumor predisposition; Neoplastic Syndromes, Hereditary; Hereditary Cancer Syndrome; Hereditary neoplastic syndrome. Identifiers: Orphanet 140162, MedGen C0027672, MeSH D009386, MONDO:0015356.

Allele frequency attached by ClinVar (database versions not stated): TOPMed below 0.00001; gnomAD exomes 0.00001.
gnomAD v4.1: 2 of 1,614,034 alleles (0.00012%); no homozygotes.

Submissions (2):

Ambry Genetics
Classification: Uncertain significance for Hereditary cancer-predisposing syndrome. Last evaluated: 2025-11-10. Review status: criteria provided, single submitter. Criteria: Ambry Variant Classification Scheme 2023. Collection method: clinical testing. Allele origin: germline.
Comment: The p.S1477F variant (also known as c.4430C>T), located in coding exon 22 of the DICER1 gene, results from a C to T substitution at nucleotide position 4430. The serine at codon 1477 is replaced by phenylalanine, an amino acid with highly dissimilar properties. This amino acid position is conserved. In addition, the in silico prediction for this alteration is inconclusive. Since supporting evidence is limited at this time, the clinical significance of this alteration remains unclear.

Labcorp Genetics (formerly Invitae), Labcorp
Classification: Uncertain significance for DICER1-related tumor predisposition. Last evaluated: 2025-10-28. Review status: criteria provided, single submitter. Criteria: Invitae Variant Classification Sherloc (09022015). Collection method: clinical testing. Allele origin: germline.
Comment: This sequence change replaces serine, which is neutral and polar, with phenylalanine, which is neutral and non-polar, at codon 1477 of the DICER1 protein (p.Ser1477Phe). This variant is present in population databases (no rsID available, gnomAD 0.02%). This variant has not been reported in the literature in individuals affected with DICER1-related conditions. ClinVar contains an entry for this variant (Variation ID: 477205). Invitae Evidence Modeling of protein sequence and biophysical properties (such as structural, functional, and spatial information, amino acid conservation, physicochemical variation, residue mobility, and thermodynamic stability) indicates that this missense variant is not expected to disrupt DICER1 protein function with a negative predictive value of 95%. In summary, the available evidence is currently insufficient to determine the role of this variant in disease. Therefore, it has been classified as a Variant of Uncertain Significance.

NM_177438.3(DICER1):c.4430C>T (p.Ser1477Phe)

Gene: DICER1 (dicer 1, ribonuclease III; minus strand). Cytogenetic location: 14q32.13.
Variant type: single nucleotide variant.
Coding change: c.4430C>T on transcript NM_177438.3 (MANE Select); coding-DNA position 4430, C replaced by T.
Protein change: p.Ser1477Phe; replaces serine 1477 with phenylalanine.
Molecular consequence: missense variant.
Genome position (GRCh38, 1-based): chr14:95,096,490, G>A on the plus strand (C>T on the coding strand, the complement: DICER1 is on the minus strand). VCF-style: chr14-95096490-G-A. GRCh37 (hg19) VCF-style: chr14-95562827-G-A.
Other names: c.4430C>T, p.Ser1477Phe (NM_001195573.1, NM_001271282.3, NM_001291628.2 and 1 more transcripts); short protein forms S1477F.
Identifiers: ClinVar variation 477205 (VCV000477205.11), dbSNP rs1463264407, ClinGen allele CA390868590.